The following is an entry in ClinVar:

NM_005732.4(RAD50):c.3697C>A (p.Pro1233Thr)

Genes: TH2LCRR (T helper type 2 locus control region associated RNA; minus strand), RAD50 (RAD50 double strand break repair protein; plus strand), TH2-LCR (Th2 cytokine locus control region; plus strand). Cytogenetic location: 5q31.1.
Variant type: single nucleotide variant.
Coding change: c.3697C>A on transcript NM_005732.4 (MANE Select); coding-DNA position 3697, C replaced by A.
Protein change: p.Pro1233Thr; replaces proline 1233 with threonine.
Molecular consequence: missense variant.
Genome position (GRCh38, 1-based): chr5:132,640,750, C>A. VCF-style: chr5-132640750-C-A. GRCh37 (hg19) VCF-style: chr5-131976442-C-A.
Other names: short protein forms P1233T.
Identifiers: ClinVar variation 240240 (VCV000240240.15), dbSNP rs768985477, ClinGen allele CA3405648.
Genomic context (GRCh38, chr5:132,640,750, plus strand): 5'-ATTCGCCTGGCCCTGGCTGAAACGTTCTGCCTCAACTGTGGCATCATTGCCTTGGATGAG[C>A]CAACAACAAATCTTGACCGAGAAAACATTGAATCTCTTGCACATGCTCTGGTTGAGTAAG-3'
Protein context (NP_005723.2, residues 1223-1243): LNCGIIALDE[Pro1233Thr]TTNLDRENIE

ClinVar aggregate classification (germline): Uncertain significance. Review status: criteria provided, multiple submitters, no conflicts (2 of 4 stars). 3 submissions from 3 submitters: Uncertain significance (3). Last evaluated 2024-08-02.

Conditions:
Hereditary cancer-predisposing syndrome. Also called: Neoplastic Syndromes, Hereditary; Hereditary neoplastic syndrome; Tumor predisposition; Hereditary Cancer Syndrome. Identifiers: Orphanet 140162, MedGen C0027672, MeSH D009386, MONDO:0015356.
Nijmegen breakage syndrome-like disorder (NBSLD). Also called: MICROCEPHALY AND SPONTANEOUS CHROMOSOME INSTABILITY WITHOUT IMMUNODEFICIENCY; NBS-LIKE DISORDER; RAD50 DEFICIENCY. Identifiers: Orphanet 240760, MedGen C2751318, MONDO:0013118, OMIM 613078.

Allele frequency attached by ClinVar (database versions not stated): ExAC 0.00001; gnomAD exomes 0.00001; gnomAD 0.00002.
gnomAD v4.1: 13 of 1,614,036 alleles (0.00081%); highest among the groups gnomAD compares: Non-Finnish European, 0.0011%; no homozygotes.

Submissions (3):

Ambry Genetics
Classification: Uncertain significance for Hereditary cancer-predisposing syndrome. Last evaluated: 2024-08-02. Review status: criteria provided, single submitter. Criteria: Ambry Variant Classification Scheme 2023. Collection method: clinical testing. Allele origin: germline.
Comment: The p.P1233T variant (also known as c.3697C>A), located in coding exon 24 of the RAD50 gene, results from a C to A substitution at nucleotide position 3697. The proline at codon 1233 is replaced by threonine, an amino acid with highly similar properties. This amino acid position is highly conserved in available vertebrate species. In addition, this alteration is predicted to be deleterious by in silico analysis. Since supporting evidence is limited at this time, the clinical significance of this alteration remains unclear.

Labcorp Genetics (formerly Invitae), Labcorp
Classification: Uncertain significance for Hereditary cancer-predisposing syndrome. Last evaluated: 2023-08-17. Review status: criteria provided, single submitter. Criteria: Invitae Variant Classification Sherloc (09022015). Collection method: clinical testing. Allele origin: germline.
Comment: This sequence change replaces proline, which is neutral and non-polar, with threonine, which is neutral and polar, at codon 1233 of the RAD50 protein (p.Pro1233Thr). In summary, the available evidence is currently insufficient to determine the role of this variant in disease. Therefore, it has been classified as a Variant of Uncertain Significance. Advanced modeling of protein sequence and biophysical properties (such as structural, functional, and spatial information, amino acid conservation, physicochemical variation, residue mobility, and thermodynamic stability) performed at Invitae indicates that this missense variant is expected to disrupt RAD50 protein function. ClinVar contains an entry for this variant (Variation ID: 240240). This variant has not been reported in the literature in individuals affected with RAD50-related conditions. This variant is present in population databases (rs768985477, gnomAD 0.002%).

Baylor Genetics
Classification: Uncertain significance for Nijmegen breakage syndrome-like disorder. Last evaluated: 2023-01-26. Review status: criteria provided, single submitter. Criteria: ACMG Guidelines, 2015. Collection method: clinical testing. Allele origin: unknown.